The following is an entry in ClinVar:

NM_001321721.2(SLC28A1):c.1587A>T (p.Arg529=)

Gene: SLC28A1 (solute carrier family 28 member 1; plus strand). Cytogenetic location: 15q25.3.
Variant type: single nucleotide variant.
Coding change: c.1587A>T on transcript NM_001321721.2; coding-DNA position 1587, A replaced by T.
Protein change: p.Arg529=; no amino-acid change (arginine 529 retained).
Molecular consequence: synonymous variant. On other transcripts: intron variant (1).
Genome position (GRCh38, 1-based): chr15:84,961,531, A>T. VCF-style: chr15-84961531-A-T. GRCh37 (hg19) VCF-style: chr15-85504762-A-T.
Other names: c.1875-13974A>T (NM_001321722.2).
Identifiers: ClinVar variation 3057041 (VCV003057041.2), dbSNP rs112431612, ClinGen allele CA7711053.
Genomic context (GRCh38, chr15:84,961,531, plus strand): 5'-ACATGTATGTGCCGTCACACCTGGCTAATATTTTATTTTATTTTATTTTTTGTAGAGACG[A>T]GGTCTTGCTATGTTGACCAGGCTGGTCTTGAACTCCTGGCCTTAAATGATCCTACTGCCT-3'

ClinVar aggregate classification (germline): Benign (0 of 4 stars; one submission).

Conditions:
SLC28A1-related disorder. Also called: SLC28A1-related condition.

Allele frequency attached by ClinVar (database versions not stated): ExAC 0.04802; TOPMed 0.09306; gnomAD 0.08970; gnomAD exomes 0.05604; 1000 Genomes Project 0.08107; 1000 Genomes Project 30x 0.08323.
gnomAD v4.1: 30,599 of 453,548 alleles (6.7%); highest among the groups gnomAD compares: African/African-American, 16%; 1,409 homozygotes.

Submission:

PreventionGenetics, part of Exact Sciences
Classification: Benign for SLC28A1-related condition. Last evaluated: 2019-11-01. Review status: no assertion criteria provided. Collection method: clinical testing. Allele origin: germline.
Comment: This variant is classified as benign based on ACMG/AMP sequence variant interpretation guidelines (Richards et al. 2015 PMID: 25741868, with internal and published modifications).